The following is an entry in ClinVar:

NM_032578.4(MYPN):c.2864G>A (p.Arg955Gln)

Gene: MYPN (myopalladin; plus strand). Cytogenetic location: 10q21.3.
Variant type: single nucleotide variant.
Coding change: c.2864G>A on transcript NM_032578.4 (MANE Select); coding-DNA position 2864, G replaced by A.
Protein change: p.Arg955Gln; replaces arginine 955 with glutamine.
Molecular consequence: missense variant. On other transcripts: non-coding transcript variant (2).
Genome position (GRCh38, 1-based): chr10:68,189,065, G>A. VCF-style: chr10-68189065-G-A. GRCh37 (hg19) VCF-style: chr10-69948822-G-A.
Other names: p.R955Q:CGG>CAG; c.2864G>A, p.Arg955Gln (NM_001256267.2); c.1982G>A, p.Arg661Gln (NM_001256268.2); short protein forms R955Q, R661Q.
Identifiers: ClinVar variation 31831 (VCV000031831.20), dbSNP rs199476414, ClinGen allele CA215371.
Genomic context (GRCh38, chr10:68,189,065, plus strand): 5'-ATGAGATCCCCACGGGCAAGTGTATTGCTCCCATCTTTGACAAGAGACTCAAGCACTTCC[G>A]GGTCACAGAAGGCTCTCCAGTTACATTCACCTGCAAAATTGTTGGGATACCTGTTCCAAA-3'
Protein context (NP_115967.2, residues 945-965): PIFDKRLKHF[Arg955Gln]VTEGSPVTFT

ClinVar aggregate classification (germline): Conflicting classifications of pathogenicity. Review status: criteria provided, conflicting classifications (1 of 4 stars). 12 submissions from 12 submitters: Uncertain significance (5); Likely benign (2). 5 of the submissions do not count toward it. Last evaluated 2026-06-01.

Conditions:
MYPN-related disorder. Also called: MYPN-related condition.
MYPN-related myopathy (CMYO24). Also called: Nemaline myopathy 11, autosomal recessive. Identifiers: MedGen C4479186, MONDO:0015023, OMIM 617336.
Dilated cardiomyopathy 1KK (CMD1KK). Identifiers: Orphanet 154, Orphanet 75249, MedGen C3714995, MONDO:0014100, OMIM 615248.

Allele frequency attached by ClinVar (database versions not stated): ExAC 0.00006; gnomAD exomes 0.00006 and 0.00011; gnomAD 0.00007 and 0.00009; TOPMed 0.00009.
gnomAD v4.1: 173 of 1,614,012 alleles (0.011%); highest among the groups gnomAD compares: Non-Finnish European, 0.013%; no homozygotes.

Submissions (12):

CeGaT Center for Human Genetics Tuebingen
Classification: Likely benign. Last evaluated: 2026-06-01. Review status: criteria provided, single submitter. Criteria: CeGaT Center For Human Genetics Tuebingen Variant Classification Criteria Version 2. Collection method: clinical testing. Allele origin: germline. Affected: yes. Observed: 1 variant allele.
Comment: MYPN: BP4

PreventionGenetics, part of Exact Sciences
Classification: Uncertain significance for MYPN-related condition. Last evaluated: 2025-12-31. Review status: criteria provided, single submitter. Criteria: ACMG Guidelines, 2015. Collection method: clinical testing. Allele origin: germline.
Comment: The MYPN c.2864G>A variant is predicted to result in the amino acid substitution p.Arg955Gln. This variant has been reported in individuals with dilated or hypertrophic cardiomyopathy; however, it has also been documented in control individuals (Table S2, Purevjav et al. 2012. PubMed ID: 22286171; online supplementary file 2, van Lint et al. 2019. PubMed ID: 30847666; Table S3, Mazzarotto et al. 2020. PubMed ID: 31983221). This variant is reported in 0.011% of alleles in individuals of Latino descent in gnomAD. At this time, the clinical significance of this variant is uncertain due to the absence of conclusive functional and genetic evidence.

GeneDx
Classification: Uncertain significance. Last evaluated: 2024-08-06. Review status: criteria provided, single submitter. Criteria: GeneDx Variant Classification Process June 2021. Collection method: clinical testing. Allele origin: germline. Affected: yes.
Comment: In silico analysis indicates that this missense variant does not alter protein structure/function; Reported in patients with cardiomyopathy in published literature (PMID: 22286171, 30847666, 31983221); This variant is associated with the following publications: (PMID: 23861362, 31983221, 22286171, 30847666)

Blueprint Genetics
Classification: Likely benign. Last evaluated: 2024-01-15. Review status: criteria provided, single submitter. Criteria: ACMG Guidelines, 2015. Collection method: clinical testing. Allele origin: germline.

Labcorp Genetics (formerly Invitae), Labcorp
Classification: Uncertain significance for Dilated cardiomyopathy 1KK. Last evaluated: 2022-08-09. Review status: criteria provided, single submitter. Criteria: Invitae Variant Classification Sherloc (09022015). Collection method: clinical testing. Allele origin: germline.
Comment: This sequence change replaces arginine, which is basic and polar, with glutamine, which is neutral and polar, at codon 955 of the MYPN protein (p.Arg955Gln). This variant is present in population databases (rs199476414, gnomAD 0.01%). This missense change has been observed in individual(s) with dilated cardiomyopathy (PMID: 22286171, 31983221). ClinVar contains an entry for this variant (Variation ID: 31831). Algorithms developed to predict the effect of missense changes on protein structure and function are either unavailable or do not agree on the potential impact of this missense change (SIFT: "Tolerated"; PolyPhen-2: "Probably Damaging"; Align-GVGD: "Class C0"). In summary, the available evidence is currently insufficient to determine the role of this variant in disease. Therefore, it has been classified as a Variant of Uncertain Significance.

Fulgent Genetics
Classification: Uncertain significance for Dilated cardiomyopathy 1KK; MYPN-related myopathy. Last evaluated: 2021-11-20. Review status: criteria provided, single submitter. Criteria: ACMG Guidelines, 2015. Collection method: clinical testing. Allele origin: unknown.

Biesecker Lab/Clinical Genomics Section, National Institutes of Health
Classification: Uncertain significance. Last evaluated: 2013-06-24. Review status: criteria provided, single submitter. Criteria: Ng et al. (Circ Cardiovasc Genet. 2013). Collection method: research. Allele origin: unknown. Observed: 1 variant allele. Study: ClinSeq.
Comment: The study set was not selected for affection status in relation to any cancer. Pathogenicity categories were based on literature curation. See Pubmed ID:23861362 for details.

Medical sequencing

Leiden Muscular Dystrophy (MYPN)
No classification provided. Last evaluated: 2012-04-27. Review status: no classification provided. Collection method: curation. Allele origin: germline. Not counted in ClinVar's aggregate classification.

Clinical Genetics DNA and cytogenetics Diagnostics Lab, Erasmus MC, Erasmus Medical Center
Classification: Uncertain significance. Review status: no assertion criteria provided. Collection method: clinical testing. Allele origin: germline. Affected: yes. Study: VKGL Data-share Consensus. Not counted in ClinVar's aggregate classification.

Clinical Genetics, Academic Medical Center
Classification: Uncertain significance. Review status: no assertion criteria provided. Collection method: clinical testing. Allele origin: germline. Affected: yes. Study: VKGL Data-share Consensus. Not counted in ClinVar's aggregate classification.

Diagnostic Laboratory, Department of Genetics, University Medical Center Groningen
Classification: Uncertain significance for Dilated cardiomyopathy 1KK. Review status: no assertion criteria provided. Collection method: clinical testing. Allele origin: germline. Affected: yes. Study: VKGL Data-share Consensus. Not counted in ClinVar's aggregate classification.

Genome Diagnostics Laboratory, University Medical Center Utrecht
Classification: Uncertain significance. Review status: no assertion criteria provided. Collection method: clinical testing. Allele origin: germline. Affected: yes. Study: VKGL Data-share Consensus. Not counted in ClinVar's aggregate classification.

Literature cited by the submitters: PubMed 22286171 (cited by Labcorp Genetics (formerly Invitae), Labcorp); PubMed 31983221 (cited by Labcorp Genetics (formerly Invitae), Labcorp).